The following is an entry in ClinVar:

ClinVar aggregate classification (germline): Uncertain significance. Review status: criteria provided, multiple submitters, no conflicts (2 of 4 stars). 4 submissions from 4 submitters: Uncertain significance (4). Last evaluated 2024-09-23.

Conditions:
Wilson disease (WND). Also called: Wilson's disease. Identifiers: Orphanet 905, MedGen C0019202, MONDO:0010200, OMIM 277900. Disease mechanism: loss of function.

Allele frequency attached by ClinVar (database versions not stated): gnomAD exomes 0.00001; TOPMed 0.00001; gnomAD 0.00002.
gnomAD v4.1: 11 of 1,613,900 alleles (0.00068%); highest among the groups gnomAD compares: African/African-American, 0.0013%; no homozygotes.

Submissions (4):

All of Us Research Program, National Institutes of Health
Classification: Uncertain significance for Wilson disease. Last evaluated: 2024-09-23. Review status: criteria provided, single submitter. Criteria: ACMG Guidelines, 2015. Collection method: clinical testing. Allele origin: germline. Inheritance: Autosomal recessive inheritance. Observed: 4 variant alleles, 4 heterozygotes.
Comment: This missense variant replaces lysine with arginine at codon 211 of the ATP7B protein. Computational prediction is inconclusive regarding the impact of this variant on protein structure and function (internally defined REVEL score threshold 0.5 < inconclusive < 0.7, PMID: 27666373). To our knowledge, functional studies have not been reported for this variant. This variant has not been reported in individuals affected with ATP7B-related disorders in the literature. This variant has not been identified in the general population by the Genome Aggregation Database (gnomAD). The available evidence is insufficient to determine the role of this variant in disease conclusively. Therefore, this variant is classified as a Variant of Uncertain Significance.

This study involves interpretation of variants in research participants for the purpose of population health screening. Participant phenotype was not available at the time of variant classification. Additional details can be found in publication PMID: 35346344, PMCID: PMC8962531

Fulgent Genetics
Classification: Uncertain significance for Wilson disease. Last evaluated: 2024-05-24. Review status: criteria provided, single submitter. Criteria: ACMG Guidelines, 2015. Collection method: clinical testing. Allele origin: germline.

Color Diagnostics, LLC DBA Color Health
Classification: Uncertain significance for Wilson disease. Last evaluated: 2023-04-06. Review status: criteria provided, single submitter. Criteria: ACMG Guidelines, 2015. Collection method: clinical testing. Allele origin: germline.
Comment: This missense variant replaces lysine with arginine at codon 211 of the ATP7B protein. Computational prediction is inconclusive regarding the impact of this variant on protein structure and function. To our knowledge, functional studies have not been reported for this variant. This variant has not been reported in individuals affected with ATP7B-related disorders in the literature. This variant has not been identified in the general population by the Genome Aggregation Database (gnomAD). The available evidence is insufficient to determine the role of this variant in disease conclusively. Therefore, this variant is classified as a Variant of Uncertain Significance.

GeneDx
Classification: Uncertain significance. Last evaluated: 2019-04-02. Review status: criteria provided, single submitter. Criteria: GeneDx Variant Classification Process June 2021. Collection method: clinical testing. Allele origin: germline. Affected: yes.
Comment: Not observed in large population cohorts (Lek et al., 2016); In silico analysis, which includes protein predictors and evolutionary conservation, supports that this variant does not alter protein structure/function; Has not been previously published as pathogenic or benign to our knowledge

NM_000053.4(ATP7B):c.632A>G (p.Lys211Arg)

Gene: ATP7B (ATPase copper transporting beta; minus strand). Cytogenetic location: 13q14.3.
Variant type: single nucleotide variant.
Coding change: c.632A>G on transcript NM_000053.4 (MANE Select); coding-DNA position 632, A replaced by G.
Protein change: p.Lys211Arg; replaces lysine 211 with arginine.
Molecular consequence: missense variant.
Genome position (GRCh38, 1-based): chr13:51,974,588, T>C on the plus strand (A>G on the coding strand, the complement: ATP7B is on the minus strand). VCF-style: chr13-51974588-T-C. GRCh37 (hg19) VCF-style: chr13-52548724-T-C.
Other names: c.632A>G, p.Lys211Arg (NM_001005918.3, NM_001243182.2, NM_001330578.2 and 1 more transcripts); short protein forms K211R.
Identifiers: ClinVar variation 1302237 (VCV001302237.6), dbSNP rs1314321927, ClinGen allele CA388042212.